The following is an entry in ClinVar:

ClinVar aggregate classification (germline): Pathogenic/Likely pathogenic. Review status: criteria provided, multiple submitters, no conflicts (2 of 4 stars). 3 submissions from 3 submitters: Pathogenic (2); Likely pathogenic (1). Last evaluated 2025-03-12.

Conditions:
Hereditary cancer-predisposing syndrome. Also called: Neoplastic Syndromes, Hereditary; Tumor predisposition; Hereditary neoplastic syndrome; Hereditary Cancer Syndrome. Identifiers: Orphanet 140162, MedGen C0027672, MeSH D009386, MONDO:0015356.
Hereditary breast ovarian cancer syndrome. Also called: Hereditary breast and ovarian cancer syndrome (HBOC); Hereditary breast and ovarian cancer; Hereditary breast and/or ovarian cancer syndrome; Hereditary breast and ovarian cancer syndrome; Breast and ovarian cancer; BRCA1- and BRCA2-Associated Hereditary Breast and Ovarian Cancer. Identifiers: Orphanet 145, MedGen C0677776, MeSH D061325, MONDO:0003582. Disease mechanism: loss of function.

Submissions (3):

Labcorp Genetics (formerly Invitae), Labcorp
Classification: Pathogenic for Hereditary breast ovarian cancer syndrome. Last evaluated: 2025-03-12. Review status: criteria provided, single submitter. Criteria: Invitae Variant Classification Sherloc (09022015). Collection method: clinical testing. Allele origin: germline.
Comment: This sequence change creates a premature translational stop signal (p.Ser2053Ilefs*7) in the BRCA2 gene. It is expected to result in an absent or disrupted protein product. Loss-of-function variants in BRCA2 are known to be pathogenic (PMID: 20104584). This variant is not present in population databases (gnomAD no frequency). This variant has not been reported in the literature in individuals affected with BRCA2-related conditions. ClinVar contains an entry for this variant (Variation ID: 567070). For these reasons, this variant has been classified as Pathogenic.

Ambry Genetics
Classification: Pathogenic for Hereditary cancer-predisposing syndrome. Last evaluated: 2023-11-22. Review status: criteria provided, single submitter. Criteria: Ambry Variant Classification Scheme 2023. Collection method: clinical testing. Allele origin: germline.
Comment: The c.6155dupC pathogenic mutation, located in coding exon 10 of the BRCA2 gene, results from a duplication of C at nucleotide position 6155, causing a translational frameshift with a predicted alternate stop codon (p.S2053Ifs*7). This alteration is expected to result in loss of function by premature protein truncation or nonsense-mediated mRNA decay. As such, this alteration is interpreted as a disease-causing mutation.

Women's Health and Genetics/Laboratory Corporation of America, LabCorp
Classification: Likely pathogenic for Hereditary breast and ovarian cancer syndrome. Last evaluated: 2018-01-19. Review status: criteria provided, single submitter. Criteria: LabCorp Variant Classification Summary - May 2015. Collection method: clinical testing. Allele origin: germline.
Comment: Variant summary: The BRCA2 c.6155dupC (p.Ser2053IlefsX7) variant results in a premature termination codon, predicted to cause a truncated or absent BRCA2 protein due to nonsense mediated decay, which are commonly known mechanisms for disease. Truncations downstream of this position have been classified as pathogenic by our laboratory (e.g. c.6267_6269delinsC (p.Glu2089fsX2), c.6270_6271delTA (p.His2090fsX9), and c.6275_6276delTT (p.Leu2092fsX7)). This variant is absent in 245642 control chromosomes (gnomAD). The variant of interest has not, to our knowledge, been reported in affected individuals via publications and/or reputable databases/clinical diagnostic laboratories; nor evaluated for functional impact by in vivo/vitro studies. Taken together, this variant is classified as likely pathogenic.

Literature cited by the submitters: PubMed 20104584 (cited by Labcorp Genetics (formerly Invitae), Labcorp).

NM_000059.4(BRCA2):c.6155dup (p.Ser2053fs)

Gene: BRCA2 (BRCA2 DNA repair associated; plus strand). Cytogenetic location: 13q13.1.
Variant type: Duplication.
Coding change: c.6155dup on transcript NM_000059.4 (MANE Select); coding-DNA position 6155, one base duplicated (C; older notation c.6155dupC).
Protein change: p.Ser2053fs; shifts the reading frame from serine 2053.
Molecular consequence: frameshift variant.
Genome position (GRCh38, 1-based): chr13:32,340,510, C duplicated. VCF-style (leftmost placement, unchanged base first): chr13-32340509-T-TC. GRCh37 (hg19) VCF-style: chr13-32914646-T-TC.
Other names: c.6155dupC (NM_000059.3); short protein forms S2053fs.
Identifiers: ClinVar variation 567070 (VCV000567070.12), dbSNP rs1566234047, ClinGen allele CA891844241.
Genomic context (GRCh38, chr13:32,340,509, plus strand): 5'-GCTATACGTACTCCAGAACATTTAATATCCCAAAAAGGCTTTTCATATAATGTGGTAAAT[T>TC]CATCTGCTTTCTCTGGATTTAGTACAGCAAGTGGAAAGCAAGTTTCCATTTTAGAAAGTT-3'